The following is an entry in ClinVar:

ClinVar aggregate classification (germline): Uncertain significance (1 of 4 stars; one submission).

Conditions:
SEC23A-related disorder. Also called: SEC23A-related condition.

gnomAD v4.1: 4 of 1,614,168 alleles (0.00025%); highest among the groups gnomAD compares: Non-Finnish European, 0.00034%; no homozygotes.

Submission:

PreventionGenetics, part of Exact Sciences
Classification: Uncertain significance for SEC23A-related condition. Last evaluated: 2026-05-17. Review status: criteria provided, single submitter. Criteria: ACMG Guidelines, 2015. Collection method: clinical testing. Allele origin: germline.
Comment: The SEC23A c.2131G>A variant is predicted to result in the amino acid substitution p.Gly711Arg. To our knowledge, this variant has not been reported in the literature. This variant is reported in 0.0018% of alleles in individuals of European (Non-Finnish) descent in gnomAD. At this time, the clinical significance of this variant is uncertain due to the absence of conclusive functional and genetic evidence.

NM_006364.4(SEC23A):c.2131G>A (p.Gly711Arg)

Gene: SEC23A (SEC23 homolog A, COPII component; minus strand). Cytogenetic location: 14q21.1.
Variant type: single nucleotide variant.
Coding change: c.2131G>A on transcript NM_006364.4 (MANE Select); coding-DNA position 2131, G replaced by A.
Protein change: p.Gly711Arg; replaces glycine 711 with arginine.
Molecular consequence: missense variant.
Genome position (GRCh38, 1-based): chr14:39,040,743, C>T on the plus strand (G>A on the coding strand, the complement: SEC23A is on the minus strand). VCF-style: chr14-39040743-C-T. GRCh37 (hg19) VCF-style: chr14-39509947-C-T.
Other names: short protein forms G711R.
Identifiers: ClinVar variation 4985155 (VCV004985155.1).
Genomic context (GRCh38, chr14:39,040,743, plus strand): 5'-CTGCAAACCTAACAACAAACAAACACACAAACAAATTAACACTACTTACCTGGCTGCCTC[C>T]ATGTTCAGTGTCAATGTATCTTGGCATTGGAAATCTGGAGTGAAGAATTTCCTGTGCATC-3'
Protein context (NP_006355.2, residues 701-721): PMPRYIDTEH[Gly711Arg]GSQARFLLSK